The following is an entry in ClinVar:

ClinVar aggregate classification (germline): Uncertain significance. Review status: criteria provided, multiple submitters, no conflicts (2 of 4 stars). 3 submissions from 3 submitters: Uncertain significance (3). Last evaluated 2024-07-29.

Conditions:
Hereditary cancer-predisposing syndrome. Also called: Hereditary neoplastic syndrome; Hereditary Cancer Syndrome; Neoplastic Syndromes, Hereditary; Tumor predisposition. Identifiers: Orphanet 140162, MedGen C0027672, MeSH D009386, MONDO:0015356.
Fanconi anemia complementation group J. Also called: BRIP1-Related Fanconi Anemia. Identifiers: Orphanet 84, MedGen C1836860, MONDO:0012187, OMIM 609054.
Familial cancer of breast. Also called: hereditary breast carcinoma; Hereditary breast cancer; BREAST CANCER, FAMILIAL. Identifiers: Orphanet 227535, MedGen C0346153, MONDO:0016419, OMIM 114480. Disease mechanism: loss of function.

gnomAD v4.1: 1 of 1,613,500 alleles (0.000062%); no homozygotes.

Submissions (3):

Labcorp Genetics (formerly Invitae), Labcorp
Classification: Uncertain significance for Familial cancer of breast; Fanconi anemia complementation group J. Last evaluated: 2024-07-29. Review status: criteria provided, single submitter. Criteria: Invitae Variant Classification Sherloc (09022015). Collection method: clinical testing. Allele origin: germline.
Comment: This sequence change replaces arginine, which is basic and polar, with serine, which is neutral and polar, at codon 279 of the BRIP1 protein (p.Arg279Ser). This variant is not present in population databases (gnomAD no frequency). This variant has not been reported in the literature in individuals affected with BRIP1-related conditions. ClinVar contains an entry for this variant (Variation ID: 422450). Advanced modeling of protein sequence and biophysical properties (such as structural, functional, and spatial information, amino acid conservation, physicochemical variation, residue mobility, and thermodynamic stability) performed at Invitae indicates that this missense variant is expected to disrupt BRIP1 protein function with a positive predictive value of 80%. In summary, the available evidence is currently insufficient to determine the role of this variant in disease. Therefore, it has been classified as a Variant of Uncertain Significance.

Ambry Genetics
Classification: Uncertain significance for Hereditary cancer-predisposing syndrome. Last evaluated: 2017-03-29. Review status: criteria provided, single submitter. Criteria: Ambry Variant Classification Scheme 2023. Collection method: clinical testing. Allele origin: germline.
Comment: The p.R279S variant (also known as c.837G>C), located in coding exon 6 of the BRIP1 gene, results from a G to C substitution at nucleotide position 837. The arginine at codon 279 is replaced by serine, an amino acid with dissimilar properties. This amino acid position is highly conserved in available vertebrate species. In addition, this alteration is predicted to be deleterious by in silico analysis. Since supporting evidence is limited at this time, the clinical significance of this alteration remains unclear.

GeneDx
Classification: Uncertain significance. Last evaluated: 2016-10-10. Review status: criteria provided, single submitter. Criteria: GeneDx Variant Classification (06012015). Collection method: clinical testing. Allele origin: germline. Affected: yes.
Comment: This variant is denoted BRIP1 c.837G>C at the cDNA level, p.Arg279Ser (R279S) at the protein level, and results in the change of an Arginine to a Serine (AGG>AGC). This variant was observed in an individual with lung adenocarcinoma (Lu 2015). BRIP1 Arg279Ser was not observed in approximately 6,500 individuals of European and African American ancestry in the NHLBI Exome Sequencing Project, suggesting it is not a common benign variant in these populations. Since Arginine and Serine differ in some properties, this is considered a semi-conservative amino acid substitution. BRIP1 Arg279Ser occurs at a position that is conserved across species and is located in the Helicase ATP-binding domain (Cantor 2011, UniProt). In silico analyses predict that this variant is probably damaging to protein structure and function. Based on currently available evidence, it is unclear whether BRIP1 Arg279Ser is a pathogenic or benign variant. We consider it to be a variant of uncertain significance.

NM_032043.3(BRIP1):c.837G>C (p.Arg279Ser)

Gene: BRIP1 (BRCA1 interacting DNA helicase 1; minus strand). Cytogenetic location: 17q23.2.
Variant type: single nucleotide variant.
Coding change: c.837G>C on transcript NM_032043.3 (MANE Select); coding-DNA position 837, G replaced by C.
Protein change: p.Arg279Ser; replaces arginine 279 with serine.
Molecular consequence: missense variant.
Genome position (GRCh38, 1-based): chr17:61,808,548, C>G on the plus strand (G>C on the coding strand, the complement: BRIP1 is on the minus strand). VCF-style: chr17-61808548-C-G. GRCh37 (hg19) VCF-style: chr17-59885909-C-G.
Other names: short protein forms R279S.
Identifiers: ClinVar variation 422450 (VCV000422450.9), dbSNP rs759584091, ClinGen allele CA16620541.